The following is an entry in ClinVar:

NM_020778.5(ALPK3):c.-83C>G

Gene: ALPK3 (alpha kinase 3; plus strand). Cytogenetic location: 15q25.3.
Variant type: single nucleotide variant.
Coding change: c.-83C>G on transcript NM_020778.5 (MANE Select); 83 bases upstream of the start codon, C replaced by G.
Molecular consequence: 5 prime UTR variant.
Genome position (GRCh38, 1-based): chr15:84,817,370, C>G. VCF-style: chr15-84817370-C-G. GRCh37 (hg19) VCF-style: chr15-85360601-C-G.
Other names: c.524C>G (NM_020778.4).
Identifiers: ClinVar variation 2504925 (VCV002504925.5), dbSNP rs1015886974, ClinGen allele CA273651055.

ClinVar aggregate classification (germline): Conflicting classifications of pathogenicity. Review status: criteria provided, conflicting classifications (1 of 4 stars). 3 submissions from 3 submitters: Uncertain significance (2); Likely benign (1). Last evaluated 2026-01-11.

Conditions:
Cardiovascular phenotype. Identifiers: MedGen CN230736.

Allele frequency attached by ClinVar (database versions not stated): gnomAD 0.00004.
gnomAD v4.1: 81 of 1,224,388 alleles (0.0066%); highest among the groups gnomAD compares: Non-Finnish European, 0.0076%; no homozygotes.

Submissions (3):

Labcorp Genetics (formerly Invitae), Labcorp
Classification: Uncertain significance. Last evaluated: 2026-01-11. Review status: criteria provided, single submitter. Criteria: Invitae Variant Classification Sherloc (09022015). Collection method: clinical testing. Allele origin: germline.
Comment: This sequence change replaces alanine, which is neutral and non-polar, with glycine, which is neutral and non-polar, at codon 175 of the ALPK3 protein (p.Ala175Gly). This variant is not present in population databases (gnomAD no frequency). This missense change has been observed in individual(s) with dilated cardiomyopathy (PMID: 30847666). ClinVar contains an entry for this variant (Variation ID: 2504925). An algorithm developed to predict the effect of missense changes on protein structure and function (PolyPhen-2) suggests that this variant is likely to be tolerated. In summary, the available evidence is currently insufficient to determine the role of this variant in disease. Therefore, it has been classified as a Variant of Uncertain Significance.

Ambry Genetics
Classification: Likely benign for Cardiovascular phenotype. Last evaluated: 2025-06-17. Review status: criteria provided, single submitter. Criteria: Ambry Variant Classification Scheme 2023. Collection method: clinical testing. Allele origin: germline.

GeneDx
Classification: Uncertain significance. Last evaluated: 2023-06-05. Review status: criteria provided, single submitter. Criteria: GeneDx Variant Classification Process June 2021. Collection method: clinical testing. Allele origin: germline. Affected: yes.
Comment: Reported in patients with DCM in the published literature, including one patient who harbored another cardiogenetic variant (Van Lint et al., 2019); Not observed at significant frequency in large population cohorts (gnomAD); Nucleotide substitution has no predicted effect on splicing and is not conserved across species; This variant is associated with the following publications: (PMID: 30847666)

Literature cited by the submitters: PubMed 30847666 (cited by Labcorp Genetics (formerly Invitae), Labcorp and Ambry Genetics).